The following is an entry in ClinVar:

ClinVar aggregate classification (germline): Uncertain significance (1 of 4 stars; one submission).

Conditions:
Congenital myopathy with internal nuclei and atypical cores. Also called: Myopathy, centronuclear, 4. Identifiers: Orphanet 319160, MedGen C4707232, MONDO:0013890, OMIM 614807.

Submission:

Labcorp Genetics (formerly Invitae), Labcorp
Classification: Uncertain significance for Congenital myopathy with internal nuclei and atypical cores. Last evaluated: 2022-08-09. Review status: criteria provided, single submitter. Criteria: Invitae Variant Classification Sherloc (09022015). Collection method: clinical testing. Allele origin: germline.
Comment: Algorithms developed to predict the effect of sequence changes on RNA splicing suggest that this variant may disrupt the consensus splice site. Algorithms developed to predict the effect of missense changes on protein structure and function are either unavailable or do not agree on the potential impact of this missense change (SIFT: "Tolerated"; PolyPhen-2: "Possibly Damaging"; Align-GVGD: "Class C0"). ClinVar contains an entry for this variant (Variation ID: 540473). This variant has not been reported in the literature in individuals affected with CCDC78-related conditions. This variant is not present in population databases (gnomAD no frequency). This sequence change replaces lysine, which is basic and polar, with arginine, which is basic and polar, at codon 170 of the CCDC78 protein (p.Lys170Arg). In summary, the available evidence is currently insufficient to determine the role of this variant in disease. Therefore, it has been classified as a Variant of Uncertain Significance.

NM_001378030.1(CCDC78):c.509A>G (p.Lys170Arg)

Gene: CCDC78 (coiled-coil domain containing 78; minus strand). Cytogenetic location: 16p13.3.
Variant type: single nucleotide variant.
Coding change: c.509A>G on transcript NM_001378030.1 (MANE Select); coding-DNA position 509, A replaced by G.
Protein change: p.Lys170Arg; replaces lysine 170 with arginine.
Molecular consequence: missense variant. On other transcripts: synonymous variant (1), non-coding transcript variant (5).
Genome position (GRCh38, 1-based): chr16:725,129, T>C on the plus strand (A>G on the coding strand, the complement: CCDC78 is on the minus strand). VCF-style: chr16-725129-T-C. GRCh37 (hg19) VCF-style: chr16-775129-T-C.
Other names: c.509A>G, p.Lys170Arg (NM_001031737.3, NM_001378031.1); c.147A>G, p.Glu49= (NM_001378033.1); short protein forms K170R.
Identifiers: ClinVar variation 540473 (VCV000540473.8), dbSNP rs1555486210, ClinGen allele CA394102391.